The following is an entry in ClinVar:

NM_003803.4(MYOM1):c.3347G>C (p.Arg1116Pro)

Gene: MYOM1 (myomesin 1; minus strand). Cytogenetic location: 18p11.31.
Variant type: single nucleotide variant.
Coding change: c.3347G>C on transcript NM_003803.4 (MANE Select); coding-DNA position 3347, G replaced by C.
Protein change: p.Arg1116Pro; replaces arginine 1116 with proline.
Molecular consequence: missense variant.
Genome position (GRCh38, 1-based): chr18:3,112,369, C>G on the plus strand (G>C on the coding strand, the complement: MYOM1 is on the minus strand). VCF-style: chr18-3112369-C-G. GRCh37 (hg19) VCF-style: chr18-3112367-C-G.
Other names: c.3059G>C, p.Arg1020Pro (NM_019856.2); short protein forms R1116P, R1020P.
Identifiers: ClinVar variation 2287986 (VCV002287986.5), dbSNP rs778322446, ClinGen allele CA401704812.

ClinVar aggregate classification (germline): Uncertain significance. Review status: criteria provided, multiple submitters, no conflicts (2 of 4 stars). 2 submissions from 2 submitters: Uncertain significance (2). Last evaluated 2023-12-19.

Conditions:
Hypertrophic cardiomyopathy. Also called: HYPERTROPHIC MYOCARDIOPATHY. Identifiers: Orphanet 217569, MedGen C0007194, MeSH D002312, MONDO:0005045, HP:0001639.

gnomAD v4.1: 3 of 1,612,040 alleles (0.00019%); highest among the groups gnomAD compares: Non-Finnish European, 0.00025%; no homozygotes.

Submissions (2):

Labcorp Genetics (formerly Invitae), Labcorp
Classification: Uncertain significance for Hypertrophic cardiomyopathy. Last evaluated: 2023-12-19. Review status: criteria provided, single submitter. Criteria: Invitae Variant Classification Sherloc (09022015). Collection method: clinical testing. Allele origin: germline.
Comment: This sequence change replaces arginine, which is basic and polar, with proline, which is neutral and non-polar, at codon 1116 of the MYOM1 protein (p.Arg1116Pro). This variant is not present in population databases (gnomAD no frequency). This variant has not been reported in the literature in individuals affected with MYOM1-related conditions. ClinVar contains an entry for this variant (Variation ID: 2287986). Advanced modeling of protein sequence and biophysical properties (such as structural, functional, and spatial information, amino acid conservation, physicochemical variation, residue mobility, and thermodynamic stability) performed at Invitae indicates that this missense variant is expected to disrupt MYOM1 protein function with a positive predictive value of 80%. In summary, the available evidence is currently insufficient to determine the role of this variant in disease. Therefore, it has been classified as a Variant of Uncertain Significance.

Ambry Genetics
Classification: Uncertain significance. Last evaluated: 2022-05-09. Review status: criteria provided, single submitter. Criteria: Ambry Variant Classification Scheme 2023. Collection method: clinical testing. Allele origin: germline.